The following is an entry in ClinVar:

NM_003072.5(SMARCA4):c.3830C>A (p.Pro1277Gln)

Gene: SMARCA4 (SWI/SNF related BAF chromatin remodeling complex subunit ATPase 4; plus strand). Cytogenetic location: 19p13.2.
Variant type: single nucleotide variant.
Coding change: c.3830C>A on transcript NM_003072.5 (MANE Select); coding-DNA position 3830, C replaced by A.
Protein change: p.Pro1277Gln; replaces proline 1277 with glutamine.
Molecular consequence: missense variant. On other transcripts: intron variant (5).
Genome position (GRCh38, 1-based): chr19:11,033,822, C>A. VCF-style: chr19-11033822-C-A. GRCh37 (hg19) VCF-style: chr19-11144498-C-A.
Other names: c.3830C>A, p.Pro1277Gln (NM_001128844.3, NM_001128849.3, NM_001387283.1); c.3775-301C>A (NM_001128847.4, NM_001374457.1, NM_001128845.2 and 2 more transcripts); short protein forms P1277Q.
Identifiers: ClinVar variation 470369 (VCV000470369.20), dbSNP rs746219091, ClinGen allele CA305290898.

ClinVar aggregate classification (germline): Conflicting classifications of pathogenicity. Review status: criteria provided, conflicting classifications (1 of 4 stars). 5 submissions from 5 submitters: Uncertain significance (4); Likely benign (1). Last evaluated 2025-09-22.

Conditions:
Hereditary cancer-predisposing syndrome. Also called: Hereditary neoplastic syndrome; Neoplastic Syndromes, Hereditary; Tumor predisposition; Hereditary Cancer Syndrome. Identifiers: Orphanet 140162, MedGen C0027672, MeSH D009386, MONDO:0015356.
Rhabdoid tumor predisposition syndrome 2 (RTPS2). Identifiers: Orphanet 231108, Orphanet 69077, MedGen C2750074, MONDO:0013224, OMIM 613325.
Intellectual disability, autosomal dominant 16 (CSS4). Also called: COFFIN-SIRIS SYNDROME 4. Identifiers: Orphanet 1465, MedGen C3553249, MONDO:0013821, OMIM 614609.

Submissions (5):

Labcorp Genetics (formerly Invitae), Labcorp
Classification: Uncertain significance for Rhabdoid tumor predisposition syndrome 2. Last evaluated: 2025-09-22. Review status: criteria provided, single submitter. Criteria: Invitae Variant Classification Sherloc (09022015). Collection method: clinical testing. Allele origin: germline.
Comment: This sequence change replaces proline, which is neutral and non-polar, with glutamine, which is neutral and polar, at codon 1277 of the SMARCA4 protein (p.Pro1277Gln). This variant is not present in population databases (gnomAD no frequency). This variant has not been reported in the literature in individuals affected with SMARCA4-related conditions. ClinVar contains an entry for this variant (Variation ID: 470369). An algorithm developed to predict the effect of missense changes on protein structure and function (PolyPhen-2) suggests that this variant is likely to be tolerated. In summary, the available evidence is currently insufficient to determine the role of this variant in disease. Therefore, it has been classified as a Variant of Uncertain Significance.

Baylor Genetics
Classification: Uncertain significance for Rhabdoid tumor predisposition syndrome 2. Last evaluated: 2024-02-22. Review status: criteria provided, single submitter. Criteria: ACMG Guidelines, 2015. Collection method: clinical testing. Allele origin: unknown.

GeneDx
Classification: Uncertain significance. Last evaluated: 2023-10-20. Review status: criteria provided, single submitter. Criteria: GeneDx Variant Classification Process June 2021. Collection method: clinical testing. Allele origin: germline. Affected: yes.
Comment: Not observed at significant frequency in large population cohorts (gnomAD); In silico analysis supports that this missense variant does not alter protein structure/function; Has not been previously published as pathogenic or benign to our knowledge

Genome-Nilou Lab
Classification: Uncertain significance for Intellectual disability, autosomal dominant 16. Last evaluated: 2021-07-15. Review status: criteria provided, single submitter. Criteria: ACMG Guidelines, 2015. Collection method: clinical testing. Allele origin: germline. Affected: no.

Ambry Genetics
Classification: Likely benign for Hereditary cancer-predisposing syndrome. Last evaluated: 2020-12-17. Review status: criteria provided, single submitter. Criteria: Ambry Variant Classification Scheme 2023. Collection method: clinical testing. Allele origin: germline.